The following is an entry in ClinVar:

NM_199420.4(POLQ):c.3112A>C (p.Ser1038Arg)

Gene: POLQ (DNA polymerase theta; minus strand). Cytogenetic location: 3q13.33.
Variant type: single nucleotide variant.
Coding change: c.3112A>C on transcript NM_199420.4 (MANE Select); coding-DNA position 3112, A replaced by C.
Protein change: p.Ser1038Arg; replaces serine 1038 with arginine.
Molecular consequence: missense variant.
Genome position (GRCh38, 1-based): chr3:121,489,819, T>G on the plus strand (A>C on the coding strand, the complement: POLQ is on the minus strand). VCF-style: chr3-121489819-T-G. GRCh37 (hg19) VCF-style: chr3-121208666-T-G.
Other names: short protein forms S1038R.
Identifiers: ClinVar variation 1727761 (VCV001727761.2), dbSNP rs1308542411, ClinGen allele CA354102935.
Genomic context (GRCh38, chr3:121,489,819, plus strand): 5'-TCAGGGGGCTGCTGTCCCTAGATCGCTTTAGATGCTTTCTACGTTTCCAAGATCGAAAAC[T>G]TCTGCTCATCTTTTCTGAATTGAAATTCAAAGGTGCCTTTTTTGTTTTCTGTGAAAAAGT-3'
Protein context (NP_955452.3, residues 1028-1048): LNFNSEKMSR[Ser1038Arg]FRSWKRRKHL

ClinVar aggregate classification (germline): Uncertain significance (1 of 4 stars; one submission).

Allele frequency attached by ClinVar (database versions not stated): gnomAD exomes below 0.00001.

Submission:

Ambry Genetics
Classification: Uncertain significance. Last evaluated: 2022-09-25. Review status: criteria provided, single submitter. Criteria: Ambry Variant Classification Scheme 2023. Collection method: clinical testing. Allele origin: germline.
Comment: The p.S1038R variant (also known as c.3112A>C), located in coding exon 16 of the POLQ gene, results from an A to C substitution at nucleotide position 3112. The serine at codon 1038 is replaced by arginine, an amino acid with dissimilar properties. This amino acid position is conserved. In addition, this alteration is predicted to be tolerated by in silico analysis. Since supporting evidence is limited at this time, the clinical significance of this alteration remains unclear.